The following is an entry in ClinVar:

NM_014283.5(SUCO):c.3269A>G (p.Asp1090Gly)

Gene: SUCO (SUN domain containing ossification factor; plus strand). Cytogenetic location: 1q24.3.
Variant type: single nucleotide variant.
Coding change: c.3269A>G on transcript NM_014283.5 (MANE Select); coding-DNA position 3269, A replaced by G.
Protein change: p.Asp1090Gly; replaces aspartic acid 1090 with glycine.
Molecular consequence: missense variant.
Genome position (GRCh38, 1-based): chr1:172,608,750, A>G. VCF-style: chr1-172608750-A-G. GRCh37 (hg19) VCF-style: chr1-172577890-A-G.
Other names: c.2156A>G, p.Asp719Gly (NM_001282750.2); c.1580A>G, p.Asp527Gly (NM_001282751.2); c.3722A>G, p.Asp1241Gly (NM_016227.4); short protein forms D1090G, D1241G, D527G, D719G.
Identifiers: ClinVar variation 3604841 (VCV003604841.2).

ClinVar aggregate classification (germline): Uncertain significance (1 of 4 stars; one submission).

gnomAD v4.1: 6 of 1,575,420 alleles (0.00038%); highest among the groups gnomAD compares: South Asian, 0.007%; no homozygotes.

Submission:

Labcorp Genetics (formerly Invitae), Labcorp
Classification: Uncertain significance. Last evaluated: 2024-09-29. Review status: criteria provided, single submitter. Criteria: Invitae Variant Classification Sherloc (09022015). Collection method: clinical testing. Allele origin: germline.
Comment: This sequence change replaces aspartic acid, which is acidic and polar, with glycine, which is neutral and non-polar, at codon 1090 of the SUCO protein (p.Asp1090Gly). This variant is present in population databases (rs575434865, gnomAD 0.02%). This variant has not been reported in the literature in individuals affected with SUCO-related conditions. An algorithm developed to predict the effect of missense changes on protein structure and function (PolyPhen-2) suggests that this variant is likely to be tolerated. In summary, the available evidence is currently insufficient to determine the role of this variant in disease. Therefore, it has been classified as a Variant of Uncertain Significance.